The following is an entry in ClinVar:

ClinVar aggregate classification (germline): Conflicting classifications of pathogenicity. Review status: criteria provided, conflicting classifications (1 of 4 stars). 2 submissions from 2 submitters: Uncertain significance (1); Likely benign (1). Last evaluated 2024-10-05.

Conditions:
Hereditary nonpolyposis colorectal neoplasms. Identifiers: MedGen C0009405, MeSH D003123.
Hereditary cancer-predisposing syndrome. Also called: Neoplastic Syndromes, Hereditary; Tumor predisposition; Hereditary Cancer Syndrome; Hereditary neoplastic syndrome. Identifiers: Orphanet 140162, MedGen C0027672, MeSH D009386, MONDO:0015356.

Submissions (2):

Ambry Genetics
Classification: Likely benign for Hereditary cancer-predisposing syndrome. Last evaluated: 2024-10-05. Review status: criteria provided, single submitter. Criteria: Ambry Variant Classification Scheme 2023. Collection method: clinical testing. Allele origin: germline.

Labcorp Genetics (formerly Invitae), Labcorp
Classification: Uncertain significance for Hereditary nonpolyposis colorectal neoplasms. Last evaluated: 2022-03-03. Review status: criteria provided, single submitter. Criteria: Invitae Variant Classification Sherloc (09022015). Collection method: clinical testing. Allele origin: germline.
Comment: In summary, the available evidence is currently insufficient to determine the role of this variant in disease. Therefore, it has been classified as a Variant of Uncertain Significance. Advanced modeling of protein sequence and biophysical properties (such as structural, functional, and spatial information, amino acid conservation, physicochemical variation, residue mobility, and thermodynamic stability) performed at Invitae indicates that this missense variant is not expected to disrupt PMS2 protein function. ClinVar contains an entry for this variant (Variation ID: 820330). This variant has not been reported in the literature in individuals affected with PMS2-related conditions. This variant is not present in population databases (gnomAD no frequency). This sequence change replaces glutamine, which is neutral and polar, with histidine, which is basic and polar, at codon 638 of the PMS2 protein (p.Gln638His).

NM_000535.7(PMS2):c.1914A>C (p.Gln638His)

Gene: PMS2 (PMS1 homolog 2, mismatch repair system component; minus strand). Cytogenetic location: 7p22.1.
Variant type: single nucleotide variant.
Coding change: c.1914A>C on transcript NM_000535.7 (MANE Select); coding-DNA position 1914, A replaced by C.
Protein change: p.Gln638His; replaces glutamine 638 with histidine.
Molecular consequence: missense variant. On other transcripts: non-coding transcript variant (1).
Genome position (GRCh38, 1-based): chr7:5,986,851, T>G on the plus strand (A>C on the coding strand, the complement: PMS2 is on the minus strand). VCF-style: chr7-5986851-T-G. GRCh37 (hg19) VCF-style: chr7-6026482-T-G.
Other names: c.1509A>C, p.Gln503His (NM_001322003.2, NM_001322004.2, NM_001322005.2 and 1 more transcripts); c.1758A>C, p.Gln586His (NM_001322006.2); c.1596A>C, p.Gln532His (NM_001322007.2, NM_001322008.2); c.1353A>C, p.Gln451His (NM_001322010.2); c.981A>C, p.Gln327His (NM_001322011.2, NM_001322012.2); c.1341A>C, p.Gln447His (NM_001322013.2); c.1914A>C, p.Gln638His (NM_001322014.2); c.1605A>C, p.Gln535His (NM_001322015.2); short protein forms Q327H, Q447H, Q532H, Q451H, Q503H, Q535H, Q586H, Q638H.
Identifiers: ClinVar variation 820330 (VCV000820330.11), dbSNP rs1583313823, ClinGen allele CA366739286.